The following is an entry in ClinVar:

ClinVar aggregate classification (germline): Likely benign. Review status: criteria provided, multiple submitters, no conflicts (2 of 4 stars). 3 submissions from 3 submitters: Likely benign (2). 1 of the submissions does not count toward it. Last evaluated 2026-05-15.

Conditions:
EGFR-related disorder. Also called: EGFR-related condition.
EGFR-related lung cancer (EGFR). Identifiers: MedGen CN130014.
Hereditary cancer-predisposing syndrome. Also called: Tumor predisposition; Hereditary neoplastic syndrome; Neoplastic Syndromes, Hereditary; Hereditary Cancer Syndrome. Identifiers: Orphanet 140162, MedGen C0027672, MeSH D009386, MONDO:0015356.

Submissions (3):

Ambry Genetics
Classification: Likely benign for Hereditary cancer-predisposing syndrome. Last evaluated: 2026-05-15. Review status: criteria provided, single submitter. Criteria: Ambry Variant Classification Scheme 2023. Collection method: clinical testing. Allele origin: germline.

Labcorp Genetics (formerly Invitae), Labcorp
Classification: Likely benign for EGFR-related lung cancer. Last evaluated: 2025-02-26. Review status: criteria provided, single submitter. Criteria: Invitae Variant Classification Sherloc (09022015). Collection method: clinical testing. Allele origin: germline.

PreventionGenetics, part of Exact Sciences
Classification: Likely benign for EGFR-related condition. Last evaluated: 2023-11-08. Review status: no assertion criteria provided. Collection method: clinical testing. Allele origin: germline. Not counted in ClinVar's aggregate classification.
Comment: This variant is classified as likely benign based on ACMG/AMP sequence variant interpretation guidelines (Richards et al. 2015 PMID: 25741868, with internal and published modifications).

NM_005228.5(EGFR):c.402G>A (p.Glu134=)

Gene: EGFR (epidermal growth factor receptor; plus strand). Cytogenetic location: 7p11.2.
Variant type: single nucleotide variant.
Coding change: c.402G>A on transcript NM_005228.5 (MANE Select); coding-DNA position 402, G replaced by A.
Protein change: p.Glu134=; no amino-acid change (glutamic acid 134 retained).
Molecular consequence: synonymous variant. On other transcripts: intron variant (1).
Genome position (GRCh38, 1-based): chr7:55,143,466, G>A. VCF-style: chr7-55143466-G-A. GRCh37 (hg19) VCF-style: chr7-55211159-G-A.
Other names: c.402G>A, p.Glu134= (NM_001346897.2, NM_001346898.2, NM_001346899.2 and 3 more transcripts); c.243G>A, p.Glu81= (NM_001346900.2); c.89-12364G>A (NM_001346941.2).
Identifiers: ClinVar variation 3032311 (VCV003032311.5), dbSNP rs2128927537, ClinGen allele CA454961848.